The following is an entry in ClinVar:

ClinVar aggregate classification (germline): Likely pathogenic. Review status: criteria provided, single submitter (1 of 4 stars). 2 submissions from 2 submitters: Likely pathogenic (1). 1 of the submissions does not count toward it. Last evaluated 2025-09-03.

Conditions:
Monogenic hearing loss.
Autosomal recessive nonsyndromic hearing loss 32. Also called: Deafness, autosomal recessive 32; Deafness, autosomal recessive 105; HEARING IMPAIRMENT INFERTILE MALE SYNDROME. Identifiers: Orphanet 90636, MedGen C1837608, MONDO:0012091, OMIM 608653.

Allele frequency attached by ClinVar (database versions not stated): gnomAD exomes below 0.00001.
gnomAD v4.1: 1 of 1,585,242 alleles (0.000063%); highest among the groups gnomAD compares: South Asian, 0.0012%; no homozygotes.

Submissions (2):

Genetics Laboratory, Great Ormond Street Hospital NHS Foundation Trust, North Thames Genomic Laboratory Hub
Classification: Likely pathogenic for Monogenic hearing loss. Last evaluated: 2025-09-03. Review status: criteria provided, single submitter. Criteria: ACGS Best Practice Guidelines for Variant Classification in Rare Disease 2024 v1.2. Collection method: clinical testing. Allele origin: germline. Affected: yes.
Comment: PM2_moderate, PVS1_strong, PM3_moderate

OMIM
Classification: Pathogenic for DEAFNESS, AUTOSOMAL RECESSIVE 32 WITH IMMOTILE SPERM. Last evaluated: 2018-08-03. Review status: no assertion criteria provided. Collection method: literature only. Allele origin: germline. Not counted in ClinVar's aggregate classification.

Literature cited by the submitters: PubMed 29293958 (cited by OMIM).

NM_003672.4(CDC14A):c.839-3C>G

Gene: CDC14A (cell division cycle 14A; plus strand). Cytogenetic location: 1p21.2.
Variant type: single nucleotide variant.
Coding change: c.839-3C>G on transcript NM_003672.4 (MANE Select); 3 bases into the intron before coding-DNA position 839, C replaced by G.
Molecular consequence: intron variant.
Genome position (GRCh38, 1-based): chr1:100,467,953, C>G. VCF-style: chr1-100467953-C-G. GRCh37 (hg19) VCF-style: chr1-100933509-C-G.
Other names: IVS9AS, C-G, -3; c.665-3C>G (NM_001319211.2); c.839-3C>G (NM_001319210.2, NM_033312.3, NM_033313.3); c.-41-3C>G (NM_001319212.2).
Identifiers: ClinVar variation 559438 (VCV000559438.2), dbSNP rs1553191001, ClinGen allele CA658821105.